The following is an entry in ClinVar:

NM_022132.5(MCCC2):c.1488G>T (p.Gln496His)

Gene: MCCC2 (methylcrotonyl-CoA carboxylase subunit 2; plus strand). Cytogenetic location: 5q13.2.
Variant type: single nucleotide variant.
Coding change: c.1488G>T on transcript NM_022132.5 (MANE Select); coding-DNA position 1488, G replaced by T.
Protein change: p.Gln496His; replaces glutamine 496 with histidine.
Molecular consequence: missense variant.
Genome position (GRCh38, 1-based): chr5:71,650,183, G>T. VCF-style: chr5-71650183-G-T. GRCh37 (hg19) VCF-style: chr5-70946010-G-T.
Other names: c.1374G>T, p.Gln458His (NM_001363147.1); short protein forms Q458H, Q496H.
Identifiers: ClinVar variation 4535788 (VCV004535788.1).
Genomic context (GRCh38, chr5:71,650,183, plus strand): 5'-GCAGGCAGCCAATGTGTTGGCCACGATAACAAAGGACCAAAGAGCCCGGGAAGGAAAGCA[G>T]GTCGGTGTCGTTTTCTCTTGTTTCTCTCTGGTTTTGCCTCTCACCATAAACACCCTGGAG-3'
Protein context (NP_071415.1, residues 486-506): TKDQRAREGK[Gln496His]FSSADEAALK

ClinVar aggregate classification (germline): Uncertain significance (1 of 4 stars; one submission).

Submission:

Women's Health and Genetics/Laboratory Corporation of America, LabCorp
Classification: Uncertain significance. Last evaluated: 2025-09-04. Review status: criteria provided, single submitter. Criteria: LabCorp Variant Classification Summary - May 2015. Collection method: clinical testing. Allele origin: germline.
Comment: Variant summary: MCCC2 c.1488G>T (p.Gln496His) results in a non-conservative amino acid change in the encoded protein sequence. Algorithms developed to predict the effect of missense changes on protein structure and function all suggest that this variant is likely to be disruptive. The variant was absent in 251358 control chromosomes. The available data on variant occurrences in the general population are insufficient to allow any conclusion about variant significance. To our knowledge, no occurrence of c.1488G>T in individuals affected with MCCC2-related conditions and no experimental evidence demonstrating its impact on protein function have been reported. No submitters have cited clinical-significance assessments for this variant to ClinVar. Based on the evidence outlined above, the variant was classified as uncertain significance.